The following is an entry in ClinVar:

ClinVar aggregate classification (germline): Uncertain significance (1 of 4 stars; one submission).

Conditions:
DiGeorge syndrome. Also called: Catch22; THIRD AND FOURTH PHARYNGEAL POUCH SYNDROME. Identifiers: Orphanet 567, MedGen C0012236, MONDO:0008564, OMIM 188400.

Submission:

Labcorp Genetics (formerly Invitae), Labcorp
Classification: Uncertain significance for DiGeorge syndrome. Last evaluated: 2024-05-13. Review status: criteria provided, single submitter. Criteria: Invitae Variant Classification Sherloc (09022015). Collection method: clinical testing. Allele origin: germline.
Comment: This sequence change replaces alanine, which is neutral and non-polar, with proline, which is neutral and non-polar, at codon 482 of the TBX1 protein (p.Ala482Pro). This variant is not present in population databases (gnomAD no frequency). This variant has not been reported in the literature in individuals affected with TBX1-related conditions. An algorithm developed to predict the effect of missense changes on protein structure and function (PolyPhen-2) suggests that this variant is likely to be disruptive. In summary, the available evidence is currently insufficient to determine the role of this variant in disease. Therefore, it has been classified as a Variant of Uncertain Significance.

NM_001379200.1(TBX1):c.1471G>C (p.Ala491Pro)

Gene: TBX1 (T-box transcription factor 1; plus strand). Cytogenetic location: 22q11.21.
Variant type: single nucleotide variant.
Coding change: c.1471G>C on transcript NM_001379200.1 (MANE Select); coding-DNA position 1471, G replaced by C.
Protein change: p.Ala491Pro; replaces alanine 491 with proline.
Molecular consequence: missense variant. On other transcripts: intron variant (2).
Genome position (GRCh38, 1-based): chr22:19,766,823, G>C. VCF-style: chr22-19766823-G-C. GRCh37 (hg19) VCF-style: chr22-19754346-G-C.
Other names: c.1444G>C, p.Ala482Pro (NM_080647.1); c.1009+821G>C (NM_005992.1, NM_080646.2); short protein forms A482P, A491P.
Identifiers: ClinVar variation 3710998 (VCV003710998.2).